The following is an entry in ClinVar:

NM_004369.4(COL6A3):c.3392G>A (p.Gly1131Asp)

Gene: COL6A3 (collagen type VI alpha 3 chain; minus strand). Cytogenetic location: 2q37.3.
Variant type: single nucleotide variant.
Coding change: c.3392G>A on transcript NM_004369.4 (MANE Select); coding-DNA position 3392, G replaced by A.
Protein change: p.Gly1131Asp; replaces glycine 1131 with aspartic acid.
Molecular consequence: missense variant.
Genome position (GRCh38, 1-based): chr2:237,374,699, C>T on the plus strand (G>A on the coding strand, the complement: COL6A3 is on the minus strand). VCF-style: chr2-237374699-C-T. GRCh37 (hg19) VCF-style: chr2-238283342-C-T.
Other names: c.2171G>A, p.Gly724Asp (NM_057164.5); c.2774G>A, p.Gly925Asp (NM_057165.5, NM_057167.4); c.1571G>A, p.Gly524Asp (NM_057166.5); short protein forms G524D, G724D, G925D, G1131D.
Identifiers: ClinVar variation 1438902 (VCV001438902.6), dbSNP rs769494656, ClinGen allele CA351203190.

ClinVar aggregate classification (germline): Uncertain significance (1 of 4 stars; one submission).

Conditions:
Bethlem myopathy 1A. Also called: MYOPATHY, BENIGN CONGENITAL, WITH CONTRACTURES; Bethlem Muscular Dystrophy; Bethlem myopathy 1. Identifiers: Orphanet 610, MedGen CN029274, MONDO:0024530, OMIM 158810.

Allele frequency attached by ClinVar (database versions not stated): gnomAD 0.00001; TOPMed 0.00001.
gnomAD v4.1: 10 of 1,613,580 alleles (0.00062%); highest among the groups gnomAD compares: African/African-American, 0.004%; no homozygotes.

Submission:

Labcorp Genetics (formerly Invitae), Labcorp
Classification: Uncertain significance for Bethlem myopathy 1A. Last evaluated: 2023-11-07. Review status: criteria provided, single submitter. Criteria: Invitae Variant Classification Sherloc (09022015). Collection method: clinical testing. Allele origin: germline.
Comment: This sequence change replaces glycine, which is neutral and non-polar, with aspartic acid, which is acidic and polar, at codon 1131 of the COL6A3 protein (p.Gly1131Asp). This variant is present in population databases (no rsID available, gnomAD 0.007%). This variant has not been reported in the literature in individuals affected with COL6A3-related conditions. ClinVar contains an entry for this variant (Variation ID: 1438902). Advanced modeling of protein sequence and biophysical properties (such as structural, functional, and spatial information, amino acid conservation, physicochemical variation, residue mobility, and thermodynamic stability) performed at Invitae indicates that this missense variant is not expected to disrupt COL6A3 protein function with a negative predictive value of 80%. In summary, the available evidence is currently insufficient to determine the role of this variant in disease. Therefore, it has been classified as a Variant of Uncertain Significance.